The following is an entry in ClinVar:

NM_031220.4(PITPNM3):c.1538G>A (p.Arg513His)

Gene: PITPNM3 (PITPNM family member 3; minus strand). Cytogenetic location: 17p13.2.
Variant type: single nucleotide variant.
Coding change: c.1538G>A on transcript NM_031220.4 (MANE Select); coding-DNA position 1538, G replaced by A.
Protein change: p.Arg513His; replaces arginine 513 with histidine.
Molecular consequence: missense variant.
Genome position (GRCh38, 1-based): chr17:6,471,247, C>T on the plus strand (G>A on the coding strand, the complement: PITPNM3 is on the minus strand). VCF-style: chr17-6471247-C-T. GRCh37 (hg19) VCF-style: chr17-6374567-C-T.
Other names: c.1430G>A, p.Arg477His (NM_001165966.2); short protein forms R513H, R477H.
Identifiers: ClinVar variation 324751 (VCV000324751.10), dbSNP rs548588951, ClinGen allele CA8329481.

ClinVar aggregate classification (germline): Conflicting classifications of pathogenicity. Review status: criteria provided, conflicting classifications (1 of 4 stars). 2 submissions from 2 submitters: Uncertain significance (1); Likely benign (1). Last evaluated 2023-12-01.

Conditions:
Cone-rod dystrophy 5 (CORD5). Identifiers: Orphanet 1872, MedGen C1832976, MONDO:0010969, OMIM 600977.

Allele frequency attached by ClinVar (database versions not stated): gnomAD 0.00002 and 0.00003; gnomAD exomes 0.00003 and 0.00005; TOPMed 0.00003; ExAC 0.00004; 1000 Genomes Project 30x 0.00016; 1000 Genomes Project 0.00020.

Submissions (2):

Labcorp Genetics (formerly Invitae), Labcorp
Classification: Uncertain significance. Last evaluated: 2023-12-01. Review status: criteria provided, single submitter. Criteria: Invitae Variant Classification Sherloc (09022015). Collection method: clinical testing. Allele origin: germline.
Comment: This sequence change replaces arginine, which is basic and polar, with histidine, which is basic and polar, at codon 513 of the PITPNM3 protein (p.Arg513His). This variant is present in population databases (rs548588951, gnomAD 0.007%). This variant has not been reported in the literature in individuals affected with PITPNM3-related conditions. ClinVar contains an entry for this variant (Variation ID: 324751). Advanced modeling of protein sequence and biophysical properties (such as structural, functional, and spatial information, amino acid conservation, physicochemical variation, residue mobility, and thermodynamic stability) performed at Invitae indicates that this missense variant is not expected to disrupt PITPNM3 protein function with a negative predictive value of 80%. In summary, the available evidence is currently insufficient to determine the role of this variant in disease. Therefore, it has been classified as a Variant of Uncertain Significance.

Illumina Laboratory Services, Illumina
Classification: Likely benign for Cone-rod dystrophy 5. Last evaluated: 2018-01-13. Review status: criteria provided, single submitter. Criteria: ICSL Variant Classification Criteria 13 December 2019. Collection method: clinical testing. Allele origin: germline.
Comment: This variant was observed in the ICSL laboratory as part of a predisposition screen in an ostensibly healthy population. It had not been previously curated by ICSL or reported in the Human Gene Mutation Database (HGMD: prior to June 1st, 2018), and was therefore a candidate for classification through an automated scoring system. Utilizing variant allele frequency, disease prevalence and penetrance estimates, and inheritance mode, an automated score was calculated to assess if this variant is too frequent to cause the disease. Based on the score and internal cut-off values, a variant classified as likely benign is not then subjected to further curation. The score for this variant resulted in a classification of likely benign for this disease.